The following is an entry in ClinVar:

ClinVar aggregate classification (germline): Benign (1 of 4 stars; one submission).

Conditions:
Sucrase-isomaltase deficiency (CSID). Also called: SI DEFICIENCY; Deficiency of isomaltase; Congenital sucrose isomaltose malabsorption; Sucrose isomaltose enzyme deficiency. Identifiers: Orphanet 35122, MedGen C1283620, MONDO:0009114, OMIM 222900.

Allele frequency attached by ClinVar (database versions not stated): gnomAD 0.04763; 1000 Genomes Project 0.05152; 1000 Genomes Project 30x 0.05418; TOPMed 0.05647.

Submission:

Illumina Laboratory Services, Illumina
Classification: Benign for Sucrase-isomaltase deficiency. Last evaluated: 2018-01-13. Review status: criteria provided, single submitter. Criteria: ICSL Variant Classification Criteria 13 December 2019. Collection method: clinical testing. Allele origin: germline.
Comment: This variant was observed in the ICSL laboratory as part of a predisposition screen in an ostensibly healthy population. It had not been previously curated by ICSL or reported in the Human Gene Mutation Database (HGMD: prior to June 1st, 2018), and was therefore a candidate for classification through an automated scoring system. Utilizing variant allele frequency, disease prevalence and penetrance estimates, and inheritance mode, an automated score was calculated to assess if this variant is too frequent to cause the disease. Based on the score and internal cut-off values, a variant classified as benign is not then subjected to further curation. The score for this variant resulted in a classification of benign for this disease.

NM_001041.4(SI):c.*426G>A

Gene: SI (sucrase-isomaltase; minus strand). Cytogenetic location: 3q26.1.
Variant type: single nucleotide variant.
Coding change: c.*426G>A on transcript NM_001041.4 (MANE Select); 426 bases downstream of the stop codon, G replaced by A.
Molecular consequence: 3 prime UTR variant.
Genome position (GRCh38, 1-based): chr3:164,978,936, C>T on the plus strand (G>A on the coding strand, the complement: SI is on the minus strand). VCF-style: chr3-164978936-C-T. GRCh37 (hg19) VCF-style: chr3-164696724-C-T.
Identifiers: ClinVar variation 343994 (VCV000343994.5), dbSNP rs111300332, ClinGen allele CA10617621.